The following is an entry in ClinVar:

ClinVar aggregate classification (germline): Uncertain significance (1 of 4 stars; one submission).

Submission:

Labcorp Genetics (formerly Invitae), Labcorp
Classification: Uncertain significance. Last evaluated: 2025-05-19. Review status: criteria provided, single submitter. Criteria: Invitae Variant Classification Sherloc (09022015). Collection method: clinical testing. Allele origin: germline.
Comment: This sequence change falls in intron 4 of the LRP5 gene. It does not directly change the encoded amino acid sequence of the LRP5 protein. The frequency data for this variant in the population databases is considered unreliable, as metrics indicate poor data quality at this position in the gnomAD database. This variant has not been reported in the literature in individuals affected with LRP5-related conditions. Experimental studies and prediction algorithms are not available or were not evaluated, and the effect of this variant on mRNA splicing is currently unknown. In summary, the available evidence is currently insufficient to determine the role of this variant in disease. Therefore, it has been classified as a Variant of Uncertain Significance.

NM_002335.4(LRP5):c.883+27_883+40del

Gene: LRP5 (LDL receptor related protein 5; plus strand). Cytogenetic location: 11q13.2.
Variant type: Deletion.
Coding change: c.883+27_883+40del on transcript NM_002335.4 (MANE Select); bases 27 to 40 of the intron after coding-DNA position 883, 14 bases deleted (GAGGGTGCGGGGGC).
Molecular consequence: intron variant.
Genome position (GRCh38, 1-based): chr11:68,363,970-68,363,983, GAGGGTGCGGGGGC deleted; deleting any 14 consecutive bases within chr11:68,363,962-68,363,983 gives the same sequence; the c. name uses the placement nearest the transcript's 3' end. VCF-style (leftmost placement, unchanged base first): chr11-68363961-CGCGGGGGCGAGGGT-C. GRCh37 (hg19) VCF-style: chr11-68131429-CGCGGGGGCGAGGGT-C.
Other names: c.-883+27_-883+40del (NM_001291902.2).
Identifiers: ClinVar variation 4764905 (VCV004764905.1).